The following is an entry in ClinVar:

ClinVar aggregate classification (germline): Benign. Review status: criteria provided, multiple submitters, no conflicts (2 of 4 stars). 10 submissions from 9 submitters: Benign (9). 1 of the submissions does not count toward it. Last evaluated 2026-02-04.

Conditions:
Dyskeratosis congenita, autosomal recessive 5 (DKCB5). Identifiers: MedGen C3554656, MONDO:0014076, OMIM 615190.
Pulmonary fibrosis and/or bone marrow failure, Telomere-related, 3. Also called: PULMONARY FIBROSIS AND/OR BONE MARROW FAILURE SYNDROME, TELOMERE-RELATED, 3. Identifiers: Orphanet 2032, MedGen C4225346, MONDO:0014613, OMIM 616373.
Dyskeratosis congenita. Identifiers: Orphanet 1775, MedGen C0265965, MONDO:0015780.

Allele frequency attached by ClinVar (database versions not stated): 1000 Genomes Project 0.05351; 1000 Genomes Project 30x 0.05372; TOPMed 0.06103; gnomAD 0.06433 and 0.06661; ESP Exome Variant Server 0.06885; gnomAD exomes 0.07910 and 0.08340; ExAC 0.08180.
gnomAD v4.1: 131,748 of 1,610,866 alleles (8.2%); highest among the groups gnomAD compares: Middle Eastern, 14%; 6,074 homozygotes.

Submissions (10):

Labcorp Genetics (formerly Invitae), Labcorp
Classification: Benign for Dyskeratosis congenita, autosomal recessive 5; Pulmonary fibrosis and/or bone marrow failure, Telomere-related, 3. Last evaluated: 2026-02-04. Review status: criteria provided, single submitter. Criteria: Invitae Variant Classification Sherloc (09022015). Collection method: clinical testing. Allele origin: germline.

ARUP Laboratories, Molecular Genetics and Genomics, ARUP Laboratories
Classification: Benign. Last evaluated: 2025-05-19. Review status: criteria provided, single submitter. Criteria: ARUP Molecular Germline Variant Investigation Process 2024. Collection method: clinical testing. Allele origin: germline.

Blueprint Genetics
Classification: Benign. Last evaluated: 2024-11-28. Review status: criteria provided, single submitter. Criteria: ACMG Guidelines, 2015. Collection method: clinical testing. Allele origin: germline.

Genome-Nilou Lab
Classification: Benign for Dyskeratosis congenita, autosomal recessive 5. Last evaluated: 2021-07-10. Review status: criteria provided, single submitter. Criteria: ACMG Guidelines, 2015. Collection method: clinical testing. Allele origin: germline. Affected: no.

Genome-Nilou Lab
Classification: Benign for Pulmonary fibrosis and/or bone marrow failure, Telomere-related, 3. Last evaluated: 2021-07-10. Review status: criteria provided, single submitter. Criteria: ACMG Guidelines, 2015. Collection method: clinical testing. Allele origin: germline. Affected: no.

GeneDx
Classification: Benign. Last evaluated: 2019-01-10. Review status: criteria provided, single submitter. Criteria: GeneDx Variant Classification Process June 2021. Collection method: clinical testing. Allele origin: germline. Affected: yes.

Mayo Clinic Laboratories, Mayo Clinic
Classification: Benign. Last evaluated: 2018-05-02. Review status: criteria provided, single submitter. Criteria: ACMG Guidelines, 2015. Collection method: clinical testing. Allele origin: germline. Observed: 197 variant alleles.

Laboratory for Molecular Medicine, Mass General Brigham Personalized Medicine
Classification: Benign. Last evaluated: 2016-03-29. Review status: criteria provided, single submitter. Criteria: LMM Criteria. Collection method: clinical testing. Allele origin: germline.
Comment: Variant identified in a genome or exome case(s) and assessed due to predicted null impact of the variant or pathogenic assertions in the literature or databases. Disclaimer: This variant has not undergone full assessment. The following are preliminary notes: Frequency

Breakthrough Genomics
Classification: Benign. Review status: criteria provided, single submitter. Criteria: ACMG Guidelines, 2015. Collection method: not provided. Allele origin: germline. Inheritance: Autosomal recessive inheritance. Affected: yes.

Natera, Inc.
Classification: Benign for Dyskeratosis congenita. Last evaluated: 2020-09-16. Review status: no assertion criteria provided. Collection method: clinical testing. Allele origin: germline. Not counted in ClinVar's aggregate classification.

NM_001283009.2(RTEL1):c.2112C>T (p.Asp704=)

Genes: RTEL1 (regulator of telomere elongation helicase 1; plus strand), RTEL1-TNFRSF6B (RTEL1-TNFRSF6B readthrough (NMD candidate); plus strand). Cytogenetic location: 20q13.33.
Variant type: single nucleotide variant.
Coding change: c.2112C>T on transcript NM_001283009.2 (MANE Select); coding-DNA position 2112, C replaced by T.
Protein change: p.Asp704=; no amino-acid change (aspartic acid 704 retained).
Molecular consequence: synonymous variant. On other transcripts: non-coding transcript variant (1).
Genome position (GRCh38, 1-based): chr20:63,689,836, C>T. VCF-style: chr20-63689836-C-T. GRCh37 (hg19) VCF-style: chr20-62321189-C-T.
Other names: p.Asp728=; c.1443C>T, p.Asp481= (NM_001283010.1); c.2112C>T, p.Asp704= (NM_016434.4); c.2184C>T, p.Asp728= (NM_032957.5).
Identifiers: ClinVar variation 403399 (VCV000403399.25), dbSNP rs61753459, ClinGen allele CA9965165.